The following is an entry in ClinVar:

ClinVar aggregate classification (germline): Uncertain significance. Review status: criteria provided, multiple submitters, no conflicts (2 of 4 stars). 3 submissions from 3 submitters: Uncertain significance (2). 1 of the submissions does not count toward it. Last evaluated 2026-01-18.

Conditions:
Autosomal recessive osteopetrosis 1. Also called: ALBERS-SCHONBERG DISEASE, AUTOSOMAL RECESSIVE; TCIRG1-Related Osteopetrosis; TCIRG1-Related Autosomal Recessive Osteopetrosis. Identifiers: Orphanet 667, MedGen C1850127, MONDO:0009815, OMIM 259700.
Inborn genetic diseases. Identifiers: MedGen C0950123, MeSH D030342.

Allele frequency attached by ClinVar (database versions not stated): gnomAD 0.00004 and 0.00003; gnomAD exomes 0.00005 and 0.00002; ExAC 0.00006; TOPMed 0.00003.
gnomAD v4.1: 37 of 1,583,846 alleles (0.0023%); highest among the groups gnomAD compares: Middle Eastern, 0.02%; no homozygotes.

Submissions (3):

Labcorp Genetics (formerly Invitae), Labcorp
Classification: Uncertain significance. Last evaluated: 2026-01-18. Review status: criteria provided, single submitter. Criteria: Invitae Variant Classification Sherloc (09022015). Collection method: clinical testing. Allele origin: germline.
Comment: This sequence change replaces arginine, which is basic and polar, with tryptophan, which is neutral and slightly polar, at codon 337 of the TCIRG1 protein (p.Arg337Trp). The frequency data for this variant in the population databases is considered unreliable, as metrics indicate poor data quality at this position in the gnomAD database. This variant has not been reported in the literature in individuals affected with TCIRG1-related conditions. ClinVar contains an entry for this variant (Variation ID: 991165). Invitae Evidence Modeling of protein sequence and biophysical properties (such as structural, functional, and spatial information, amino acid conservation, physicochemical variation, residue mobility, and thermodynamic stability) indicates that this missense variant is not expected to disrupt TCIRG1 protein function with a negative predictive value of 80%. In summary, the available evidence is currently insufficient to determine the role of this variant in disease. Therefore, it has been classified as a Variant of Uncertain Significance.

Ambry Genetics
Classification: Uncertain significance for Inborn genetic diseases. Last evaluated: 2025-02-14. Review status: criteria provided, single submitter. Criteria: Ambry Variant Classification Scheme 2023. Collection method: clinical testing. Allele origin: germline.

Natera, Inc.
Classification: Uncertain significance for Infantile malignant osteopetrosis. Last evaluated: 2020-04-15. Review status: no assertion criteria provided. Collection method: clinical testing. Allele origin: germline. Not counted in ClinVar's aggregate classification.

NM_006019.4(TCIRG1):c.1009C>T (p.Arg337Trp)

Gene: TCIRG1 (T cell immune regulator 1, ATPase H+ transporting V0 subunit a3; plus strand). Cytogenetic location: 11q13.2.
Variant type: single nucleotide variant.
Coding change: c.1009C>T on transcript NM_006019.4 (MANE Select); coding-DNA position 1009, C replaced by T.
Protein change: p.Arg337Trp; replaces arginine 337 with tryptophan.
Molecular consequence: missense variant.
Genome position (GRCh38, 1-based): chr11:68,044,333, C>T. VCF-style: chr11-68044333-C-T. GRCh37 (hg19) VCF-style: chr11-67811800-C-T.
Other names: c.1009C>T (NM_006019.3); c.115C>T, p.Arg39Trp (NM_001351059.2); c.361C>T, p.Arg121Trp (NM_006053.4); short protein forms R121W, R337W, R39W.
Identifiers: ClinVar variation 991165 (VCV000991165.6), dbSNP rs766765320, ClinGen allele CA6146866.
Genomic context (GRCh38, chr11:68,044,333, plus strand): 5'-TGCCTCATTGCCGAGGCCTGGTGCTCTGTGCGAGACCTGCCCGCCCTGCAGGAGGCCCTG[C>T]GGGACAGCTCGGTGAGCAGCCTGAGGCCTCGCCCCCTCTCCGCCCGCCCCTCCTACCAGG-3'
Protein context (NP_006010.2, residues 327-347): RDLPALQEAL[Arg337Trp]DSSMEEGVSA